The following is an entry in ClinVar:

NM_001174150.2(ARL13B):c.1151G>A (p.Gly384Glu)

Gene: ARL13B (ARF like GTPase 13B; plus strand). Cytogenetic location: 3q11.2.
Variant type: single nucleotide variant.
Coding change: c.1151G>A on transcript NM_001174150.2 (MANE Select); coding-DNA position 1151, G replaced by A.
Protein change: p.Gly384Glu; replaces glycine 384 with glutamic acid.
Molecular consequence: missense variant. On other transcripts: non-coding transcript variant (2).
Genome position (GRCh38, 1-based): chr3:94,050,833, G>A. VCF-style: chr3-94050833-G-A. GRCh37 (hg19) VCF-style: chr3-93769677-G-A.
Other names: c.842G>A, p.Gly281Glu (NM_001174151.2); c.1106G>A, p.Gly369Glu (NM_001321328.2); c.830G>A, p.Gly277Glu (NM_144996.4); c.1151G>A, p.Gly384Glu (NM_182896.3); short protein forms G384E, G281E, G369E, G277E.
Identifiers: ClinVar variation 346913 (VCV000346913.23), dbSNP rs146264035, ClinGen allele CA2504290.

ClinVar aggregate classification (germline): Conflicting classifications of pathogenicity. Review status: criteria provided, conflicting classifications (1 of 4 stars). 7 submissions from 7 submitters: Uncertain significance (3); Likely benign (3). 1 of the submissions does not count toward it. Last evaluated 2026-01-29.

Conditions:
ARL13B-related disorder. Also called: ARL13B-related condition.
Joubert syndrome 8 (JBTS8). Identifiers: Orphanet 475, MedGen C2676771, MONDO:0012855, OMIM 612291.

Allele frequency attached by ClinVar (database versions not stated): 1000 Genomes Project 0.00100; 1000 Genomes Project 30x 0.00125; gnomAD 0.00127 and 0.00143; gnomAD exomes 0.00137 and 0.00161; ESP Exome Variant Server 0.00138; ExAC 0.00146; TOPMed 0.00178.
gnomAD v4.1: 2,593 of 1,612,250 alleles (0.16%); highest among the groups gnomAD compares: Middle Eastern, 0.99%; 8 homozygotes.

Submissions (7):

Labcorp Genetics (formerly Invitae), Labcorp
Classification: Likely benign for Joubert syndrome 8. Last evaluated: 2026-01-29. Review status: criteria provided, single submitter. Criteria: Invitae Variant Classification Sherloc (09022015). Collection method: clinical testing. Allele origin: germline.

Blueprint Genetics
Classification: Likely benign. Last evaluated: 2024-11-01. Review status: criteria provided, single submitter. Criteria: ACMG Guidelines, 2015. Collection method: clinical testing. Allele origin: germline.

Revvity Omics, Revvity
Classification: Uncertain significance for Joubert syndrome 8. Last evaluated: 2023-11-20. Review status: criteria provided, single submitter. Criteria: ACMG Guidelines, 2015. Collection method: clinical testing. Allele origin: germline.

GeneDx
Classification: Likely benign. Last evaluated: 2020-03-03. Review status: criteria provided, single submitter. Criteria: GeneDx Variant Classification Process June 2021. Collection method: clinical testing. Allele origin: germline. Affected: yes.
Comment: This variant is associated with the following publications: (PMID: 25920555)

Genomic Research Center, Shahid Beheshti University of Medical Sciences
Classification: Uncertain significance for Joubert syndrome 8. Last evaluated: 2019-01-01. Review status: criteria provided, single submitter. Criteria: ACMG Guidelines, 2015. Collection method: clinical testing. Allele origin: inherited. Affected: yes. Observed: 1 variant allele.

Fulgent Genetics
Classification: Uncertain significance for Joubert syndrome 8. Last evaluated: 2018-10-31. Review status: criteria provided, single submitter. Criteria: ACMG Guidelines, 2015. Collection method: clinical testing. Allele origin: unknown.

PreventionGenetics, part of Exact Sciences
Classification: Likely benign for ARL13B-related condition. Last evaluated: 2020-04-08. Review status: no assertion criteria provided. Collection method: clinical testing. Allele origin: germline. Not counted in ClinVar's aggregate classification.
Comment: This variant is classified as likely benign based on ACMG/AMP sequence variant interpretation guidelines (Richards et al. 2015 PMID: 25741868, with internal and published modifications).